The following is an entry in ClinVar:

ClinVar aggregate classification (germline): Pathogenic/Likely pathogenic. Review status: criteria provided, multiple submitters, no conflicts (2 of 4 stars). 2 submissions from 2 submitters: Pathogenic (1); Likely pathogenic (1). Last evaluated 2025-05-22.

Conditions:
Dilated cardiomyopathy 1X (CMD1X). Also called: FKTN-Related Dilated Cardiomyopathy; CARDIOMYOPATHY, DILATED, WITH MILD OR NO PROXIMAL MUSCLE WEAKNESS. Identifiers: Orphanet 154, MedGen C1969024, MONDO:0012704, OMIM 611615.
Myopathy caused by variation in FKTN. Identifiers: MedGen CN305638, MONDO:0700067.

Submissions (2):

Myriad Genetics, Inc.
Classification: Pathogenic for Myopathy caused by variation in FKTN. Last evaluated: 2025-05-22. Review status: criteria provided, single submitter. Criteria: Myriad Autosomal Dominant, Autosomal Recessive and X-Linked Classification Criteria (2023). Collection method: clinical testing. Allele origin: unknown.
Comment: NM_001079802.1(FKTN):c.594delA(K198Nfs*42) is expected to be pathogenic in the context of FKTN-related disorders. This variant is predicted to lead to an abnormal or absent protein product due to the creation of a premature termination codon in FKTN, a gene where loss-of-function variants are known to be pathogenic. Please note: this variant was assessed in the context of healthy population screening.

Baylor Genetics
Classification: Likely pathogenic for Dilated cardiomyopathy 1X. Last evaluated: 2023-08-16. Review status: criteria provided, single submitter. Criteria: ACMG Guidelines, 2015. Collection method: clinical testing. Allele origin: unknown.

NM_001079802.2(FKTN):c.594del (p.Lys198fs)

Gene: FKTN (fukutin; plus strand). Cytogenetic location: 9q31.2.
Variant type: Deletion.
Coding change: c.594del on transcript NM_001079802.2 (MANE Select); coding-DNA position 594, one base deleted (A; older notation c.594delA).
Protein change: p.Lys198fs; shifts the reading frame from lysine 198.
Molecular consequence: frameshift variant. On other transcripts: non-coding transcript variant (2).
Genome position (GRCh38, 1-based): chr9:105,604,439, A deleted; the last of 3 consecutive A bases (chr9:105,604,437-105,604,439); deleting any one gives the same sequence. VCF-style (leftmost placement, unchanged base first): chr9-105604436-GA-G. GRCh37 (hg19) VCF-style: chr9-108366717-GA-G.
Other names: c.594del, p.Lys198fs (NM_001198963.2, NM_001351496.2, NM_001351498.2 and 1 more transcripts); c.525del, p.Lys175fs (NM_001351497.2); c.198del, p.Lys66fs (NM_001351499.2, NM_001351500.2, NM_001351501.2 and 1 more transcripts); short protein forms K175fs, K198fs, K66fs.
Identifiers: ClinVar variation 2675718 (VCV002675718.2), dbSNP rs2539412643, ClinGen allele CA2695199398.